The following is an entry in ClinVar:

NM_033118.4(MYLK2):c.1512G>T (p.Glu504Asp)

Gene: MYLK2 (myosin light chain kinase 2; plus strand). Cytogenetic location: 20q11.21.
Variant type: single nucleotide variant.
Coding change: c.1512G>T on transcript NM_033118.4 (MANE Select); coding-DNA position 1512, G replaced by T.
Protein change: p.Glu504Asp; replaces glutamic acid 504 with aspartic acid.
Molecular consequence: missense variant.
Genome position (GRCh38, 1-based): chr20:31,831,790, G>T. VCF-style: chr20-31831790-G-T. GRCh37 (hg19) VCF-style: chr20-30419593-G-T.
Other names: short protein forms E504D.
Identifiers: ClinVar variation 3401148 (VCV003401148.1).

ClinVar aggregate classification (germline): Uncertain significance (1 of 4 stars; one submission).

Submission:

Ambry Genetics
Classification: Uncertain significance. Last evaluated: 2024-07-14. Review status: criteria provided, single submitter. Criteria: Ambry Variant Classification Scheme 2023. Collection method: clinical testing. Allele origin: germline.
Comment: The p.E504D variant (also known as c.1512G>T), located in coding exon 10 of the MYLK2 gene, results from a G to T substitution at nucleotide position 1512. The glutamic acid at codon 504 is replaced by aspartic acid, an amino acid with highly similar properties. This amino acid position is conserved. In addition, this alteration is predicted to be tolerated by in silico analysis. Based on the available evidence, the clinical significance of this variant remains unclear.